The following is an entry in ClinVar:

NM_000069.3(CACNA1S):c.1322T>C (p.Ile441Thr)

Gene: CACNA1S (calcium voltage-gated channel subunit alpha1 S; minus strand). Cytogenetic location: 1q32.1.
Variant type: single nucleotide variant.
Coding change: c.1322T>C on transcript NM_000069.3 (MANE Select); coding-DNA position 1322, T replaced by C.
Protein change: p.Ile441Thr; replaces isoleucine 441 with threonine.
Molecular consequence: missense variant.
Genome position (GRCh38, 1-based): chr1:201,083,233, A>G on the plus strand (T>C on the coding strand, the complement: CACNA1S is on the minus strand). VCF-style: chr1-201083233-A-G. GRCh37 (hg19) VCF-style: chr1-201052361-A-G.
Other names: c.1322T>C (NM_000069.2); short protein forms I441T.
Identifiers: ClinVar variation 1060854 (VCV001060854.10), dbSNP rs749522764, ClinGen allele CA344125578.

ClinVar aggregate classification (germline): Uncertain significance. Review status: criteria provided, multiple submitters, no conflicts (2 of 4 stars). 2 submissions from 2 submitters: Uncertain significance (2). Last evaluated 2025-06-11.

Conditions:
Hypokalemic periodic paralysis, type 1. Also called: Hypokalemic Periodic Paralysis Type 1 (AD); HypoPP. Identifiers: Orphanet 681, MedGen C3714580, MONDO:0042979, OMIM 170400.
Malignant hyperthermia, susceptibility to, 5 (MHS5). Also called: CACNA1S-Related Malignant Hyperthermia Susceptibility. Identifiers: Orphanet 423, MedGen C1866077, MONDO:0011163, OMIM 601887.

Submissions (2):

GeneDx
Classification: Uncertain significance. Last evaluated: 2025-06-11. Review status: criteria provided, single submitter. Criteria: GeneDx Variant Classification Process June 2021. Collection method: clinical testing. Allele origin: germline. Affected: yes.
Comment: Not observed at significant frequency in large population cohorts (gnomAD); In silico analysis supports that this missense variant has a deleterious effect on protein structure/function; Has not been previously published as pathogenic or benign to our knowledge

Labcorp Genetics (formerly Invitae), Labcorp
Classification: Uncertain significance for Hypokalemic periodic paralysis, type 1; Malignant hyperthermia, susceptibility to, 5. Last evaluated: 2024-06-25. Review status: criteria provided, single submitter. Criteria: Invitae Variant Classification Sherloc (09022015). Collection method: clinical testing. Allele origin: germline.
Comment: This sequence change replaces isoleucine, which is neutral and non-polar, with threonine, which is neutral and polar, at codon 441 of the CACNA1S protein (p.Ile441Thr). This variant is not present in population databases (gnomAD no frequency). This variant has not been reported in the literature in individuals affected with CACNA1S-related conditions. ClinVar contains an entry for this variant (Variation ID: 1060854). Advanced modeling of protein sequence and biophysical properties (such as structural, functional, and spatial information, amino acid conservation, physicochemical variation, residue mobility, and thermodynamic stability) performed at Invitae indicates that this missense variant is not expected to disrupt CACNA1S protein function with a negative predictive value of 80%. In summary, the available evidence is currently insufficient to determine the role of this variant in disease. Therefore, it has been classified as a Variant of Uncertain Significance.